The following is an entry in ClinVar:

ClinVar aggregate classification (germline): Uncertain significance. Review status: criteria provided, multiple submitters, no conflicts (2 of 4 stars). 5 submissions from 4 submitters: Uncertain significance (5). Last evaluated 2026-04-02.

Conditions:
USH2A-related disorder. Also called: USH2A-related disorders; USH2A-related condition. Identifiers: MedGen CN239332.
Retinitis pigmentosa 39 (RP39). Identifiers: Orphanet 791, MedGen C3151138, MONDO:0013436, OMIM 613809.
Usher syndrome type 2A. Also called: RETINAL DISEASE IN USHER SYNDROME TYPE IIA, MODIFIER OF; USHER SYNDROME, TYPE IIA. Identifiers: Orphanet 231178, Orphanet 886, MedGen C1848634, MONDO:0010169, OMIM 276901.

Allele frequency attached by ClinVar (database versions not stated): gnomAD 0.00001; gnomAD exomes 0.00003 and 0.00005; TOPMed 0.00004; ExAC 0.00007.
gnomAD v4.1: 78 of 1,613,892 alleles (0.0048%); highest among the groups gnomAD compares: Non-Finnish European, 0.0065%; no homozygotes.

Submissions (5):

PreventionGenetics, part of Exact Sciences
Classification: Uncertain significance for USH2A-related condition. Last evaluated: 2026-04-02. Review status: criteria provided, single submitter. Criteria: ACMG Guidelines, 2015. Collection method: clinical testing. Allele origin: germline.
Comment: The USH2A c.12455A>G variant is predicted to result in the amino acid substitution p.Glu4152Gly. To our knowledge, this variant has not been reported in the literature. This variant is reported in 0.0071% of alleles in individuals of European (Non-Finnish) descent in gnomAD. At this time, the clinical significance of this variant is uncertain due to the absence of conclusive functional and genetic evidence.

Genome-Nilou Lab
Classification: Uncertain significance for Retinitis pigmentosa 39. Last evaluated: 2023-11-04. Review status: criteria provided, single submitter. Criteria: ACMG Guidelines, 2015. Collection method: clinical testing. Allele origin: germline. Affected: no.

Genome-Nilou Lab
Classification: Uncertain significance for Usher syndrome type 2A. Last evaluated: 2023-11-04. Review status: criteria provided, single submitter. Criteria: ACMG Guidelines, 2015. Collection method: clinical testing. Allele origin: germline. Affected: no.

Labcorp Genetics (formerly Invitae), Labcorp
Classification: Uncertain significance. Last evaluated: 2022-10-13. Review status: criteria provided, single submitter. Criteria: Invitae Variant Classification Sherloc (09022015). Collection method: clinical testing. Allele origin: germline.
Comment: This sequence change replaces glutamic acid, which is acidic and polar, with glycine, which is neutral and non-polar, at codon 4152 of the USH2A protein (p.Glu4152Gly). This variant is present in population databases (rs768614804, gnomAD 0.007%). This variant has not been reported in the literature in individuals affected with USH2A-related conditions. ClinVar contains an entry for this variant (Variation ID: 285037). Algorithms developed to predict the effect of missense changes on protein structure and function (SIFT, PolyPhen-2, Align-GVGD) all suggest that this variant is likely to be disruptive. In summary, the available evidence is currently insufficient to determine the role of this variant in disease. Therefore, it has been classified as a Variant of Uncertain Significance.

Eurofins Ntd Llc (ga)
Classification: Uncertain significance. Last evaluated: 2015-12-10. Review status: criteria provided, single submitter. Criteria: EGL Classification Definitions 2015. Collection method: clinical testing. Allele origin: germline. Observed: 1 variant allele, 1 heterozygote.

NM_206933.4(USH2A):c.12455A>G (p.Glu4152Gly)

Gene: USH2A (usherin; minus strand). Cytogenetic location: 1q41.
Variant type: single nucleotide variant.
Coding change: c.12455A>G on transcript NM_206933.4 (MANE Select); coding-DNA position 12455, A replaced by G.
Protein change: p.Glu4152Gly; replaces glutamic acid 4152 with glycine.
Molecular consequence: missense variant.
Genome position (GRCh38, 1-based): chr1:215,675,456, T>C on the plus strand (A>G on the coding strand, the complement: USH2A is on the minus strand). VCF-style: chr1-215675456-T-C. GRCh37 (hg19) VCF-style: chr1-215848798-T-C.
Other names: c.12455A>G (NM_206933.2); short protein forms E4152G.
Identifiers: ClinVar variation 285037 (VCV000285037.8), dbSNP rs768614804, ClinGen allele CA1393463.
Genomic context (GRCh38, chr1:215,675,456, plus strand): 5'-TCAACACTGGTGGACTTCACAGAGTGGACAGTAGGAGCCAGCTGAGAGTCTGGAGGGGCT[T>C]CATCTGTCCACAGAGGCTGAGGCGCCGAGTGTGCACAACCTGCTCTGGTGCAGGCCTCCA-3'
Protein context (NP_996816.3, residues 4142-4162): HSAPQPLWTD[Glu4152Gly]APPDSQLAPT